The following is an entry in ClinVar:

NM_005859.5(PURA):c.171_172dup (p.Thr58fs)

Gene: PURA (purine rich element binding protein A; plus strand). Cytogenetic location: 5q31.3.
Variant type: Microsatellite.
Coding change: c.171_172dup on transcript NM_005859.5 (MANE Select); coding-DNA positions 171 to 172, 2 bases duplicated (GA; older notation c.171_172dupGA).
Protein change: p.Thr58fs; shifts the reading frame from threonine 58.
Molecular consequence: frameshift variant.
Genome position (GRCh38, 1-based): chr5:140,114,352-140,114,353, GA duplicated; duplicating any 2 consecutive bases within chr5:140,114,350-140,114,353 gives the same sequence; the c. name uses the placement nearest the transcript's 3' end. VCF-style (leftmost placement, unchanged base first): chr5-140114349-C-CGA. GRCh37 (hg19) VCF-style: chr5-139493934-C-CGA.
Other names: short protein forms T58fs.
Identifiers: ClinVar variation 1196418 (VCV001196418.2), dbSNP rs2126748787, ClinGen allele CA2580613680.

ClinVar aggregate classification (germline): Pathogenic (1 of 4 stars; one submission).

Submission:

GeneDx
Classification: Pathogenic. Last evaluated: 2021-02-03. Review status: criteria provided, single submitter. Criteria: GeneDx Variant Classification Process June 2021. Collection method: clinical testing. Allele origin: germline. Affected: yes.
Comment: Frameshift variant predicted to result in protein truncation, as the last 265 amino acids are lost and replaced with 20 incorrect amino acids; Not observed in large population cohorts (Lek et al., 2016); Has not been previously published as pathogenic or benign to our knowledge